The following is an entry in ClinVar:

ClinVar aggregate classification (germline): Uncertain significance. Review status: criteria provided, multiple submitters, no conflicts (2 of 4 stars). 2 submissions from 2 submitters: Uncertain significance (2). Last evaluated 2025-12-09.

Conditions:
Pitt-Hopkins-like syndrome 2 (PTHSL2). Identifiers: Orphanet 221150, Orphanet 600663, MedGen C3280479, MONDO:0013690, OMIM 614325.

Allele frequency attached by ClinVar (database versions not stated): ExAC 0.00001; gnomAD exomes 0.00002; gnomAD 0.00004; TOPMed 0.00005.
gnomAD v4.1: 50 of 1,612,046 alleles (0.0031%); highest among the groups gnomAD compares: African/African-American, 0.012%; no homozygotes.

Submissions (2):

Labcorp Genetics (formerly Invitae), Labcorp
Classification: Uncertain significance for Pitt-Hopkins-like syndrome 2. Last evaluated: 2025-12-09. Review status: criteria provided, single submitter. Criteria: Invitae Variant Classification Sherloc (09022015). Collection method: clinical testing. Allele origin: germline.
Comment: This sequence change replaces arginine, which is basic and polar, with lysine, which is basic and polar, at codon 175 of the NRXN1 protein (p.Arg175Lys). This variant is present in population databases (rs201518597, gnomAD 0.009%). This variant has not been reported in the literature in individuals affected with NRXN1-related conditions. ClinVar contains an entry for this variant (Variation ID: 898104). An algorithm developed to predict the effect of missense changes on protein structure and function (PolyPhen-2) suggests that this variant is likely to be tolerated. In summary, the available evidence is currently insufficient to determine the role of this variant in disease. Therefore, it has been classified as a Variant of Uncertain Significance.

Illumina Laboratory Services, Illumina
Classification: Uncertain significance for Pitt-Hopkins-like syndrome 2. Last evaluated: 2018-03-16. Review status: criteria provided, single submitter. Criteria: ICSL Variant Classification Criteria 13 December 2019. Collection method: clinical testing. Allele origin: germline.

NM_001330078.2(NRXN1):c.524G>A (p.Arg175Lys)

Gene: NRXN1 (neurexin 1; minus strand). Cytogenetic location: 2p16.3.
Variant type: single nucleotide variant.
Coding change: c.524G>A on transcript NM_001330078.2 (MANE Select); coding-DNA position 524, G replaced by A.
Protein change: p.Arg175Lys; replaces arginine 175 with lysine.
Molecular consequence: missense variant.
Genome position (GRCh38, 1-based): chr2:51,027,750, C>T on the plus strand (G>A on the coding strand, the complement: NRXN1 is on the minus strand). VCF-style: chr2-51027750-C-T. GRCh37 (hg19) VCF-style: chr2-51254888-C-T.
Other names: c.524G>A, p.Arg175Lys (NM_001135659.3, NM_001330077.2, NM_001330079.2 and 15 more transcripts); short protein forms R175K.
Identifiers: ClinVar variation 898104 (VCV000898104.11), dbSNP rs201518597, ClinGen allele CA1655463.
Genomic context (GRCh38, chr2:51,027,750, plus strand): 5'-AGGACCTGCGAGGAGTTGACCCTCACGTCACGAATCCACCCCTTGAAGGGCTCCCGCTCC[C>T]TCACCGAGGCCAGGGTGAGCTTGAGCGCCGCGGCGCGCAGTTCCGGGGGCAGCCCCCCGA-3'
Protein context (NP_001317007.1, residues 165-185): AALKLTLASV[Arg175Lys]EREPFKGWIR